The following is an entry in ClinVar:

NM_005559.4(LAMA1):c.4874A>G (p.Glu1625Gly)

Gene: LAMA1 (laminin subunit alpha 1; minus strand). Cytogenetic location: 18p11.31.
Variant type: single nucleotide variant.
Coding change: c.4874A>G on transcript NM_005559.4 (MANE Select); coding-DNA position 4874, A replaced by G.
Protein change: p.Glu1625Gly; replaces glutamic acid 1625 with glycine.
Molecular consequence: missense variant.
Genome position (GRCh38, 1-based): chr18:6,995,379, T>C on the plus strand (A>G on the coding strand, the complement: LAMA1 is on the minus strand). VCF-style: chr18-6995379-T-C. GRCh37 (hg19) VCF-style: chr18-6995378-T-C.
Other names: short protein forms E1625G.
Identifiers: ClinVar variation 5017101 (VCV005017101.1).

ClinVar aggregate classification (germline): Uncertain significance (1 of 4 stars; one submission).

gnomAD v4.1: 3 of 1,613,554 alleles (0.00019%); highest among the groups gnomAD compares: Admixed American, 0.005%; no homozygotes.

Submission:

GeneDx
Classification: Uncertain significance. Last evaluated: 2026-03-25. Review status: criteria provided, single submitter. Criteria: GeneDx Variant Classification Process June 2021. Collection method: clinical testing. Allele origin: germline.
Comment: In silico analysis supports that this missense variant has a deleterious effect on protein structure/function; Has not been previously published as pathogenic or benign to our knowledge